The following is an entry in ClinVar:

ClinVar aggregate classification (germline): Uncertain significance. Review status: criteria provided, multiple submitters, no conflicts (2 of 4 stars). 3 submissions from 3 submitters: Uncertain significance (2). 1 of the submissions does not count toward it. Last evaluated 2022-04-28.

Conditions:
Propionic acidemia (PROP). Also called: GLYCINEMIA, KETOTIC; HYPERGLYCINEMIA WITH KETOACIDOSIS AND LEUKOPENIA; KETOTIC HYPERGLYCINEMIA. Identifiers: Orphanet 35, MedGen C0268579, MONDO:0011628, OMIM 606054, HP:0003571.

Allele frequency attached by ClinVar (database versions not stated): gnomAD exomes below 0.00001.
gnomAD v4.1: 33 of 1,614,174 alleles (0.002%); highest among the groups gnomAD compares: Non-Finnish European, 0.0028%; no homozygotes.

Submissions (3):

Labcorp Genetics (formerly Invitae), Labcorp
Classification: Uncertain significance for Propionic acidemia. Last evaluated: 2022-04-28. Review status: criteria provided, single submitter. Criteria: Invitae Variant Classification Sherloc (09022015). Collection method: clinical testing. Allele origin: germline.
Comment: This sequence change replaces glutamine, which is neutral and polar, with arginine, which is basic and polar, at codon 507 of the PCCB protein (p.Gln507Arg). This variant is present in population databases (no rsID available, gnomAD 0.0009%). This variant has not been reported in the literature in individuals affected with PCCB-related conditions. ClinVar contains an entry for this variant (Variation ID: 343479). Advanced modeling of protein sequence and biophysical properties (such as structural, functional, and spatial information, amino acid conservation, physicochemical variation, residue mobility, and thermodynamic stability) performed at Invitae indicates that this missense variant is not expected to disrupt PCCB protein function. In summary, the available evidence is currently insufficient to determine the role of this variant in disease. Therefore, it has been classified as a Variant of Uncertain Significance.

Illumina Laboratory Services, Illumina
Classification: Uncertain significance for Propionic acidemia. Last evaluated: 2018-01-12. Review status: criteria provided, single submitter. Criteria: ICSL Variant Classification Criteria 13 December 2019. Collection method: clinical testing. Allele origin: germline.

Counsyl
Classification: Uncertain significance for Propionic acidemia. Last evaluated: 2017-08-18. Review status: no assertion criteria provided. Collection method: clinical testing. Allele origin: unknown. Not counted in ClinVar's aggregate classification.

NM_000532.5(PCCB):c.1520A>G (p.Gln507Arg)

Gene: PCCB (propionyl-CoA carboxylase subunit beta; plus strand). Cytogenetic location: 3q22.3.
Variant type: single nucleotide variant.
Coding change: c.1520A>G on transcript NM_000532.5 (MANE Select); coding-DNA position 1520, A replaced by G.
Protein change: p.Gln507Arg; replaces glutamine 507 with arginine.
Molecular consequence: missense variant.
Genome position (GRCh38, 1-based): chr3:136,329,926, A>G. VCF-style: chr3-136329926-A-G. GRCh37 (hg19) VCF-style: chr3-136048768-A-G.
Other names: c.1580A>G, p.Gln527Arg (NM_001178014.2); short protein forms Q507R, Q527R.
Identifiers: ClinVar variation 343479 (VCV000343479.7), dbSNP rs886058020, ClinGen allele CA10614967.